The following is an entry in ClinVar:

ClinVar aggregate classification (germline): Pathogenic/Likely pathogenic. Review status: criteria provided, multiple submitters, no conflicts (2 of 4 stars). 6 submissions from 6 submitters: Pathogenic (1); Likely pathogenic (4). 1 of the submissions does not count toward it. Last evaluated 2024-06-03.

Conditions:
Bardet-Biedl syndrome 12 (BBS12). Identifiers: Orphanet 110, MedGen C1859570, MONDO:0014440, OMIM 615989.
BBS12-related disorder. Also called: BBS12-related condition.
Bardet-Biedl syndrome (BBS). Identifiers: Orphanet 110, MedGen C0752166, MONDO:0015229.

Submissions (6):

Natera, Inc.
Classification: Likely pathogenic for Bardet-Biedl syndrome type 12. Last evaluated: 2024-06-03. Review status: criteria provided, single submitter. Criteria: Natera Variant Classification Schema (03/2026). Collection method: clinical testing. Allele origin: germline.
Comment: The c.869_873delTACAG variant in BBS12 is a frameshift variant predicted to shift the reading frame beginning at codon 290 and leads to a stop codon 20 codons downstream. This variant is expected to result in nonsense mediated decay, truncation, or a dysfunctional protein product. This variant is rare in the general population with a frequency below the threshold expected for the associated phenotype(s). Given the available evidence, this variant is classified as Likely Pathogenic.

Labcorp Genetics (formerly Invitae), Labcorp
Classification: Pathogenic for Bardet-Biedl syndrome. Last evaluated: 2024-04-17. Review status: criteria provided, single submitter. Criteria: Invitae Variant Classification Sherloc (09022015). Collection method: clinical testing. Allele origin: germline.
Comment: This sequence change creates a premature translational stop signal (p.Val290Alafs*20) in the BBS12 gene. While this is not anticipated to result in nonsense mediated decay, it is expected to disrupt the last 421 amino acid(s) of the BBS12 protein. This variant is not present in population databases (gnomAD no frequency). This variant has not been reported in the literature in individuals affected with BBS12-related conditions. ClinVar contains an entry for this variant (Variation ID: 1073016). This variant disrupts a region of the BBS12 protein in which other variant(s) (p.Arg675*) have been determined to be pathogenic (PMID: 20827784, 21642631). This suggests that this is a clinically significant region of the protein, and that variants that disrupt it are likely to be disease-causing. For these reasons, this variant has been classified as Pathogenic.

Baylor Genetics
Classification: Likely pathogenic for Bardet-Biedl syndrome 12. Last evaluated: 2023-09-12. Review status: criteria provided, single submitter. Criteria: ACMG Guidelines, 2015. Collection method: clinical testing. Allele origin: unknown.

Fulgent Genetics
Classification: Likely pathogenic for Bardet-Biedl syndrome 12. Last evaluated: 2021-11-30. Review status: criteria provided, single submitter. Criteria: ACMG Guidelines, 2015. Collection method: clinical testing. Allele origin: unknown.

Blueprint Genetics
Classification: Likely pathogenic for BBS12-related disorders. Last evaluated: 2021-06-11. Review status: criteria provided, single submitter. Criteria: ACMG Guidelines, 2015. Collection method: clinical testing. Allele origin: germline. Affected: yes. Observed: 2 variant alleles.

PreventionGenetics, part of Exact Sciences
Classification: Likely pathogenic for BBS12-related condition. Last evaluated: 2024-05-31. Review status: no assertion criteria provided. Collection method: clinical testing. Allele origin: germline. Not counted in ClinVar's aggregate classification.
Comment: The BBS12 c.869_873del5 variant is predicted to result in a frameshift and premature protein termination (p.Val290Alafs*20). To our knowledge, this variant has not been reported in the literature or in a large population database, indicating this variant is rare. Frameshift variants in BBS12 are expected to be pathogenic. Pathogenic protein chain terminating variants have been reported upstream and downstream of this variant, providing further evidence of pathogenicity for this variant. This variant is interpreted as likely pathogenic.

Literature cited by the submitters: PubMed 20827784 (cited by Labcorp Genetics (formerly Invitae), Labcorp); PubMed 21642631 (cited by Labcorp Genetics (formerly Invitae), Labcorp).

NM_152618.3(BBS12):c.869_873del (p.Val290fs)

Gene: BBS12 (Bardet-Biedl syndrome 12; plus strand). Cytogenetic location: 4q27.
Variant type: Deletion.
Coding change: c.869_873del on transcript NM_152618.3 (MANE Select); coding-DNA positions 869 to 873, 5 bases deleted (TACAG; older notation c.869_873delTACAG).
Protein change: p.Val290fs; shifts the reading frame from valine 290.
Molecular consequence: frameshift variant.
Genome position (GRCh38, 1-based): chr4:122,742,761-122,742,765, TACAG deleted; deleting any 5 consecutive bases within chr4:122,742,758-122,742,765 gives the same sequence; the c. name uses the placement nearest the transcript's 3' end. VCF-style (leftmost placement, unchanged base first): chr4-122742757-GCAGTA-G. GRCh37 (hg19) VCF-style: chr4-123663912-GCAGTA-G.
Other names: c.869_873delTACAG (NM_152618.2); c.869_873del, p.Val290fs (NM_001178007.2); c.869_873del5 (NM_152618.2); short protein forms V290fs.
Identifiers: ClinVar variation 1073016 (VCV001073016.13), dbSNP rs1283655166, ClinGen allele CA786438779.